The following is an entry in ClinVar:

ClinVar aggregate classification (germline): Uncertain significance (1 of 4 stars; one submission).

Conditions:
Arrhythmogenic right ventricular cardiomyopathy (ARVD). Also called: Arrhythmogenic right ventricular dysplasia; Cardiomyopathy, ARVC; Arrhythmogenic cardiomyopathy; Arrhythmogenic Right Ventricular Cardiomyopathy (ARVC). Identifiers: Orphanet 247, MedGen C0349788, MeSH D019571, MONDO:0016587. Disease mechanism: loss of function. Inheritance: Various modes of inheritance.

Allele frequency attached by ClinVar (database versions not stated): gnomAD exomes below 0.00001.
gnomAD v4.1: 1 of 1,614,110 alleles (0.000062%); highest among the groups gnomAD compares: Admixed American, 0.0017%; no homozygotes.

Submission:

All of Us Research Program, National Institutes of Health
Classification: Uncertain significance for Arrhythmogenic right ventricular cardiomyopathy. Last evaluated: 2023-06-08. Review status: criteria provided, single submitter. Criteria: ACMG Guidelines, 2015. Collection method: clinical testing. Allele origin: germline. Inheritance: Autosomal dominant inheritance. Observed: 1 variant allele, 1 heterozygote.
Comment: This missense variant replaces leucine with phenylalanine at codon 813 of the PKP2 protein. Computational prediction suggests that this variant may not impact protein structure and function (internally defined REVEL score threshold <= 0.5, PMID: 27666373). To our knowledge, functional studies have not been reported for this variant. This variant has not been reported in individuals affected with PKP2-related disorders in the literature. This variant has been identified in 1/251484 chromosomes in the general population by the Genome Aggregation Database (gnomAD). The available evidence is insufficient to determine the role of this variant in disease conclusively. Therefore, this variant is classified as a Variant of Uncertain Significance.

This study involves interpretation of variants in research participants for the purpose of population health screening. Participant phenotype was not available at the time of variant classification. Additional details can be found in publication PMID: 35346344, PMCID: PMC8962531

NM_001005242.3(PKP2):c.2305C>T (p.Leu769Phe)

Gene: PKP2 (plakophilin 2; minus strand). Cytogenetic location: 12p11.21.
Variant type: single nucleotide variant.
Coding change: c.2305C>T on transcript NM_001005242.3 (MANE Select); coding-DNA position 2305, C replaced by T.
Protein change: p.Leu769Phe; replaces leucine 769 with phenylalanine.
Molecular consequence: missense variant. On other transcripts: intron variant (2).
Genome position (GRCh38, 1-based): chr12:32,796,161, G>A on the plus strand (C>T on the coding strand, the complement: PKP2 is on the minus strand). VCF-style: chr12-32796161-G-A. GRCh37 (hg19) VCF-style: chr12-32949095-G-A.
Other names: c.2140C>T, p.Leu714Phe (NM_001407156.1); c.1978C>T, p.Leu660Phe (NM_001407158.1, NM_001407159.1); c.2437C>T, p.Leu813Phe (NM_004572.4); c.2168-3430C>T (NM_001407155.1); c.1841-3430C>T (NM_001407160.1); short protein forms L660F, L714F, L769F, L813F.
Identifiers: ClinVar variation 3071499 (VCV003071499.1), dbSNP rs1464505673, ClinGen allele CA384357660.